The following is an entry in ClinVar:

ClinVar aggregate classification (germline): Likely pathogenic (1 of 4 stars; one submission).

Conditions:
Congenital myasthenic syndrome (CMS). Also called: Congenital Myasthenic Syndromes. Identifiers: Orphanet 590, MedGen C0751882, MeSH D020294, MONDO:0018940.

Submission:

Natera, Inc.
Classification: Likely pathogenic for Congenital myasthenic syndrome. Last evaluated: 2025-09-29. Review status: criteria provided, single submitter. Criteria: Natera Variant Classification Schema (03/2026). Collection method: clinical testing. Allele origin: germline.
Comment: The c.1179_1182delinsTTTTCAGTA variant in CHRNE is a frameshift variant predicted to shift the reading frame beginning at codon 394 and leads to a stop codon 36 codons downstream. This variant is expected to result in nonsense mediated decay, truncation, or a dysfunctional protein product. This variant is rare in the general population with a frequency below the threshold expected for the associated phenotype(s). Given the available evidence, this variant is classified as Likely Pathogenic.

NM_000080.4(CHRNE):c.1179_1182delinsTTTTCAGTA (p.Val394fs)

Genes: CHRNE (cholinergic receptor nicotinic epsilon subunit; minus strand), LOC130060040 (ATAC-STARR-seq lymphoblastoid silent region 8049; plus strand). Cytogenetic location: 17p13.2.
Variant type: Indel.
Coding change: c.1179_1182delinsTTTTCAGTA on transcript NM_000080.4 (MANE Select); coding-DNA positions 1179 to 1182, CGTG replaced by TTTTCAGTA.
Protein change: p.Val394fs; shifts the reading frame from valine 394.
Molecular consequence: frameshift variant.
Genome position (GRCh38, 1-based): chr17:4,899,235-4,899,238, CACG replaced by TACTGAAAA on the plus strand (CGTG replaced by TTTTCAGTA on the coding strand, the reverse complement: CHRNE is on the minus strand). VCF-style: chr17-4899235-CACG-TACTGAAAA. GRCh37 (hg19) VCF-style: chr17-4802530-CACG-TACTGAAAA.
Other names: short protein forms V394fs.
Identifiers: ClinVar variation 4816841 (VCV004816841.1).